The following is an entry in ClinVar:

NM_020778.5(ALPK3):c.2438_2440del (p.Val813del)

Gene: ALPK3 (alpha kinase 3; plus strand). Cytogenetic location: 15q25.3.
Variant type: Deletion.
Coding change: c.2438_2440del on transcript NM_020778.5 (MANE Select); coding-DNA positions 2438 to 2440, 3 bases deleted (TGG; older notation c.2438_2440delTGG).
Protein change: p.Val813del; deletes valine 813.
Genome position (GRCh38, 1-based): chr15:84,857,176-84,857,178, TGG deleted; deleting any 3 consecutive bases within chr15:84,857,174-84,857,178 gives the same sequence; the c. name uses the placement nearest the transcript's 3' end. VCF-style (leftmost placement, unchanged base first): chr15-84857173-AGGT-A. GRCh37 (hg19) VCF-style: chr15-85400404-AGGT-A.
Other names: short protein forms V813del.
Identifiers: ClinVar variation 4089128 (VCV004089128.1).

ClinVar aggregate classification (germline): Uncertain significance (1 of 4 stars; one submission).

Conditions:
Cardiovascular phenotype. Identifiers: MedGen CN230736.

Submission:

Ambry Genetics
Classification: Uncertain significance for Cardiovascular phenotype. Last evaluated: 2025-08-20. Review status: criteria provided, single submitter. Criteria: Ambry Variant Classification Scheme 2023. Collection method: clinical testing. Allele origin: germline.
Comment: The c.3044_3046delTGG variant (also known as p.V1015del) is located in coding exon 6 of the ALPK3 gene. This variant results from an in-frame TGG deletion at nucleotide positions 3044 to 3046. This results in the in-frame deletion of a valine at codon 1015. This amino acid position is poorly conserved in available vertebrate species. In addition, the in silico prediction for this variant is inconclusive (Choi Y et al. PLoS ONE. 2012; 7(10):e46688). Based on the available evidence, the clinical significance of this variant remains unclear.